The following is an entry in ClinVar:

ClinVar aggregate classification (germline): Uncertain significance. Review status: criteria provided, multiple submitters, no conflicts (2 of 4 stars). 2 submissions from 2 submitters: Uncertain significance (2). Last evaluated 2024-08-05.

Conditions:
Inborn genetic diseases. Identifiers: MedGen C0950123, MeSH D030342.

gnomAD v4.1: 4 of 1,594,982 alleles (0.00025%); highest among the groups gnomAD compares: Non-Finnish European, 0.00034%; no homozygotes.

Submissions (2):

Ambry Genetics
Classification: Uncertain significance for Inborn genetic diseases. Last evaluated: 2024-08-05. Review status: criteria provided, single submitter. Criteria: Ambry Variant Classification Scheme 2023. Collection method: clinical testing. Allele origin: germline.

Labcorp Genetics (formerly Invitae), Labcorp
Classification: Uncertain significance. Last evaluated: 2021-02-13. Review status: criteria provided, single submitter. Criteria: Invitae Variant Classification Sherloc (09022015). Collection method: clinical testing. Allele origin: germline.
Comment: In summary, the available evidence is currently insufficient to determine the role of this variant in disease. Therefore, it has been classified as a Variant of Uncertain Significance. Algorithms developed to predict the effect of missense changes on protein structure and function do not agree on the potential impact of this missense change (SIFT: "Deleterious"; PolyPhen-2: "Probably Damaging"; Align-GVGD: "Class C0"). This variant has not been reported in the literature in individuals with RNF168-related disease. This variant is not present in population databases (ExAC no frequency). This sequence change replaces tyrosine with cysteine at codon 228 of the RNF168 protein (p.Tyr228Cys). The tyrosine residue is moderately conserved and there is a large physicochemical difference between tyrosine and cysteine.

NM_152617.4(RNF168):c.683A>G (p.Tyr228Cys)

Gene: RNF168 (ring finger protein 168; minus strand). Cytogenetic location: 3q29.
Variant type: single nucleotide variant.
Coding change: c.683A>G on transcript NM_152617.4 (MANE Select); coding-DNA position 683, A replaced by G.
Protein change: p.Tyr228Cys; replaces tyrosine 228 with cysteine.
Molecular consequence: missense variant.
Genome position (GRCh38, 1-based): chr3:196,475,310, T>C on the plus strand (A>G on the coding strand, the complement: RNF168 is on the minus strand). VCF-style: chr3-196475310-T-C. GRCh37 (hg19) VCF-style: chr3-196202181-T-C.
Other names: c.683A>G (NM_152617.3); short protein forms Y228C.
Identifiers: ClinVar variation 1407309 (VCV001407309.9), dbSNP rs145416995, ClinGen allele CA90841945.